The following is an entry in ClinVar:

ClinVar aggregate classification (germline): Uncertain significance (1 of 4 stars; one submission).

Conditions:
Hereditary cancer-predisposing syndrome. Also called: Neoplastic Syndromes, Hereditary; Tumor predisposition; Hereditary Cancer Syndrome; Hereditary neoplastic syndrome. Identifiers: Orphanet 140162, MedGen C0027672, MeSH D009386, MONDO:0015356.

Submission:

Ambry Genetics
Classification: Uncertain significance for Hereditary cancer-predisposing syndrome. Last evaluated: 2026-03-17. Review status: criteria provided, single submitter. Criteria: Ambry Variant Classification Scheme 2023. Collection method: clinical testing. Allele origin: germline.
Comment: The p.P185S variant (also known as c.553C>T), located in coding exon 4 of the BARD1 gene, results from a C to T substitution at nucleotide position 553. The proline at codon 185 is replaced by serine, an amino acid with similar properties. This amino acid position is conserved. In addition, this alteration is predicted to be tolerated by in silico analysis. Based on the available evidence, the clinical significance of this variant remains unclear.

NM_000465.4(BARD1):c.553C>T (p.Pro185Ser)

Gene: BARD1 (BRCA1 associated RING domain 1; minus strand). Cytogenetic location: 2q35.
Variant type: single nucleotide variant.
Coding change: c.553C>T on transcript NM_000465.4 (MANE Select); coding-DNA position 553, C replaced by T.
Protein change: p.Pro185Ser; replaces proline 185 with serine.
Molecular consequence: missense variant. On other transcripts: non-coding transcript variant (2), intron variant (3).
Genome position (GRCh38, 1-based): chr2:214,781,321, G>A on the plus strand (C>T on the coding strand, the complement: BARD1 is on the minus strand). VCF-style: chr2-214781321-G-A. GRCh37 (hg19) VCF-style: chr2-215646045-G-A.
Other names: c.496C>T, p.Pro166Ser (NM_001282543.2); c.158+28091C>T (NM_001282548.2); c.215+15740C>T (NM_001282545.2); c.364+10976C>T (NM_001282549.2); short protein forms P166S, P185S.
Identifiers: ClinVar variation 4867378 (VCV004867378.1).